The following is an entry in ClinVar:

ClinVar aggregate classification (germline): Uncertain significance (1 of 4 stars; one submission).

Conditions:
Inborn genetic diseases. Identifiers: MedGen C0950123, MeSH D030342.

Allele frequency attached by ClinVar (database versions not stated): ExAC 0.00001; gnomAD exomes 0.00002.
gnomAD v4.1: 31 of 1,612,532 alleles (0.0019%); highest among the groups gnomAD compares: Non-Finnish European, 0.0026%; no homozygotes.

Submission:

Ambry Genetics
Classification: Uncertain significance for Inborn genetic diseases. Last evaluated: 2024-06-11. Review status: criteria provided, single submitter. Criteria: Ambry Variant Classification Scheme 2023. Collection method: clinical testing. Allele origin: germline.
Comment: The p.E522G variant (also known as c.1565A>G), located in coding exon 14 of the LRRK2 gene, results from an A to G substitution at nucleotide position 1565. The glutamic acid at codon 522 is replaced by glycine, an amino acid with similar properties. This amino acid position is conserved. In addition, this alteration is predicted to be tolerated by in silico analysis. Since supporting evidence is limited at this time, the clinical significance of this alteration remains unclear.

NM_198578.4(LRRK2):c.1565A>G (p.Glu522Gly)

Gene: LRRK2 (leucine rich repeat kinase 2; plus strand). Cytogenetic location: 12q12.
Variant type: single nucleotide variant.
Coding change: c.1565A>G on transcript NM_198578.4 (MANE Select); coding-DNA position 1565, A replaced by G.
Protein change: p.Glu522Gly; replaces glutamic acid 522 with glycine.
Molecular consequence: missense variant.
Genome position (GRCh38, 1-based): chr12:40,263,810, A>G. VCF-style: chr12-40263810-A-G. GRCh37 (hg19) VCF-style: chr12-40657612-A-G.
Other names: short protein forms E522G.
Identifiers: ClinVar variation 1775348 (VCV001775348.3), dbSNP rs759183977, ClinGen allele CA6513403.